The following is an entry in ClinVar:

NM_001458.5(FLNC):c.1945_1953dup (p.Ile649_Asp651dup)

Gene: FLNC (filamin C; plus strand). Cytogenetic location: 7q32.1.
Variant type: Duplication.
Coding change: c.1945_1953dup on transcript NM_001458.5 (MANE Select); coding-DNA positions 1945 to 1953, 9 bases duplicated (ATCCGAGAC; older notation c.1945_1953dupATCCGAGAC).
Protein change: p.Ile649_Asp651dup.
Molecular consequence: inframe insertion.
Genome position (GRCh38, 1-based): chr7:128,841,301-128,841,309, ATCCGAGAC duplicated; duplicating any 9 consecutive bases within chr7:128,841,298-128,841,309 gives the same sequence; the c. name uses the placement nearest the transcript's 3' end. VCF-style (leftmost placement, unchanged base first): chr7-128841297-G-GGACATCCGA. GRCh37 (hg19) VCF-style: chr7-128481351-G-GGACATCCGA.
Other names: c.1945_1953dup, p.Ile649_Asp651dup (NM_001127487.2); c.1945_1953dupATCCGAGAC (NM_001458.4).
Identifiers: ClinVar variation 471993 (VCV000471993.9), dbSNP rs1554398377, ClinGen allele CA658657717.
Genomic context (GRCh38, chr7:128,841,297, plus strand): 5'-TGTGCGGTACTGGCCCACGGAGCCTGGGGAGTACGCTGTGCACGTCATCTGTGACGATGA[G>GGACATCCGA]GACATCCGAGACTCACCCTTCATTGCCCACATCCTGCCCGCCCCACCTGACTGCTTCCCA-3'

ClinVar aggregate classification (germline): Uncertain significance (1 of 4 stars; one submission).

Conditions:
Distal myopathy with posterior leg and anterior hand involvement. Also called: WILLIAMS DISTAL MYOPATHY. Identifiers: Orphanet 63273, MedGen C3279722, MONDO:0013550, OMIM 614065.
Myofibrillar myopathy 5. Also called: Filaminopathy (type); FILAMINOPATHY, AUTOSOMAL DOMINANT. Identifiers: Orphanet 171445, MedGen C1836050, MONDO:0012289, OMIM 609524.
Hypertrophic cardiomyopathy 26. Also called: Cardiomyopathy, familial hypertrophic, 26. Identifiers: Orphanet 75249, MedGen C4310749, MONDO:0014883, OMIM 617047.

Submission:

Labcorp Genetics (formerly Invitae), Labcorp
Classification: Uncertain significance for Distal myopathy with posterior leg and anterior hand involvement; Myofibrillar myopathy 5; Hypertrophic cardiomyopathy 26. Last evaluated: 2017-07-12. Review status: criteria provided, single submitter. Criteria: Invitae Variant Classification Sherloc (09022015). Collection method: clinical testing. Allele origin: germline.
Comment: This sequence change inserts 9 nucleotides in exon 12 of the FLNC mRNA (c.1945_1953dupATCCGAGAC). This leads to the duplication of 3 amino acid residues in the FLNC protein (p.Ile649_Asp651dup) but otherwise preserves the integrity of the reading frame. This variant is not present in population databases (ExAC no frequency) and has not been reported in the literature in individuals with a FLNC-related disease. In summary, this variant is a novel in-frame duplication change with uncertain impact on protein function. It has been classified as a Variant of Uncertain Significance. Experimental studies and prediction algorithms are not available for this variant, and the functional significance of the duplicated amino acids is currently unknown.